The following is an entry in ClinVar:

NM_001235.5(SERPINH1):c.454C>T (p.Gln152Ter)

Gene: SERPINH1 (serpin family H member 1; plus strand). Cytogenetic location: 11q13.5.
Variant type: single nucleotide variant.
Coding change: c.454C>T on transcript NM_001235.5 (MANE Select); coding-DNA position 454, C replaced by T.
Protein change: p.Gln152Ter; replaces glutamine 152 with a stop codon.
Molecular consequence: nonsense.
Genome position (GRCh38, 1-based): chr11:75,566,803, C>T. VCF-style: chr11-75566803-C-T. GRCh37 (hg19) VCF-style: chr11-75277848-C-T.
Other names: c.454C>T, p.Gln152Ter (NM_001207014.3, NM_001440311.1, NM_001440312.1 and 5 more transcripts); short protein forms Q152*.
Identifiers: ClinVar variation 4714363 (VCV004714363.1).

ClinVar aggregate classification (germline): Pathogenic (1 of 4 stars; one submission).

gnomAD v4.1: 3 of 1,613,208 alleles (0.00019%); highest among the groups gnomAD compares: Non-Finnish European, 0.00025%; no homozygotes.

Submission:

Labcorp Genetics (formerly Invitae), Labcorp
Classification: Pathogenic. Last evaluated: 2025-03-19. Review status: criteria provided, single submitter. Criteria: Invitae Variant Classification Sherloc (09022015). Collection method: clinical testing. Allele origin: germline.
Comment: This sequence change creates a premature translational stop signal (p.Gln152*) in the SERPINH1 gene. It is expected to result in an absent or disrupted protein product. Loss-of-function variants in SERPINH1 are known to be pathogenic (PMID: 20188343, 27677223, 27838364). This variant is not present in population databases (gnomAD no frequency). This variant has not been reported in the literature in individuals affected with SERPINH1-related conditions. For these reasons, this variant has been classified as Pathogenic.

Literature cited by the submitters: PubMed 20188343; PubMed 27677223; PubMed 27838364.